The following is an entry in ClinVar:

NM_181552.4(CUX1):c.1289del (p.Pro430fs)

Gene: CUX1 (cut like homeobox 1; plus strand). Cytogenetic location: 7q22.1.
Variant type: Deletion.
Coding change: c.1289del on transcript NM_181552.4 (MANE Select); coding-DNA position 1289, one base deleted (C; older notation c.1289delC).
Protein change: p.Pro430fs; shifts the reading frame from proline 430.
Molecular consequence: frameshift variant. On other transcripts: intron variant (5).
Genome position (GRCh38, 1-based): chr7:102,196,700, C deleted; the last of 7 consecutive C bases (chr7:102,196,694-102,196,700); deleting any one gives the same sequence. VCF-style (leftmost placement, unchanged base first): chr7-102196693-GC-G. GRCh37 (hg19) VCF-style: chr7-101839973-GC-G.
Other names: c.1322del, p.Pro441fs (NM_001202543.2); c.1255+1097del (NM_001913.5); c.1249+1097del (NM_181500.4); c.1117+1097del (NM_001202545.3); c.1207+1097del (NM_001202544.3); c.1138+1097del (NM_001202546.3); short protein forms P441fs, P430fs.
Identifiers: ClinVar variation 3837504 (VCV003837504.1).
Genomic context (GRCh38, chr7:102,196,693, plus strand): 5'-GGGTCAGCCAGGAGGAAAGGGAAAGACCAGCCTGAAAGTCGGCGCCCGGGATCTTTGCCG[GC>G]CCCCCCTCCTTCTCAGTTGCCCCGCAACCCGGGGGAGCAGGCTTCCAATACTAATGGTAC-3'

ClinVar aggregate classification (germline): Pathogenic (1 of 4 stars; one submission).

Conditions:
Inborn genetic diseases. Identifiers: MedGen C0950123, MeSH D030342.

Submission:

Ambry Genetics
Classification: Pathogenic for Inborn genetic diseases. Last evaluated: 2025-01-29. Review status: criteria provided, single submitter. Criteria: Ambry Variant Classification Scheme 2023. Collection method: clinical testing. Allele origin: germline.
Comment: The c.1322delC (p.P441Lfs*27) alteration, located in exon 15 (coding exon 15) of the CUX1 gene, consists of a deletion of one nucleotide at position 1322, causing a translational frameshift with a predicted alternate stop codon after 27 amino acids. This alteration is expected to result in loss of function by premature protein truncation or nonsense-mediated mRNA decay. This variant was not reported in population-based cohorts in the Genome Aggregation Database (gnomAD). Based on the available evidence, this alteration is classified as pathogenic.